The following is an entry in ClinVar:

ClinVar aggregate classification (germline): Pathogenic/Likely pathogenic. Review status: criteria provided, multiple submitters, no conflicts (2 of 4 stars). 7 submissions from 7 submitters: Pathogenic (3); Likely pathogenic (4). Last evaluated 2026-02-01.

Conditions:
CRX-related disorder. Also called: CRX-related condition.
Cone-rod dystrophy 2 (CORD2). Also called: CONE-ROD RETINAL DYSTROPHY; Cone-rod retinal dystrophy 2. Identifiers: Orphanet 1872, MedGen C3489532, MONDO:0007362, OMIM 120970.
Leber congenital amaurosis 7 (LCA7). Identifiers: Orphanet 65, MedGen C3151192, MONDO:0013449, OMIM 613829.
Retinal dystrophy. Also called: Inherited retinal dystrophy. Identifiers: Orphanet 71862, MedGen C0854723, MeSH D058499, MONDO:0019118, HP:0000556.
CRX-related disorders.

Allele frequency attached by ClinVar (database versions not stated): gnomAD exomes below 0.00001 and 0.00001; ExAC 0.00002; gnomAD 0.00002; TOPMed 0.00003.
gnomAD v4.1: 25 of 1,614,084 alleles (0.0015%); highest among the groups gnomAD compares: African/African-American, 0.0027%; no homozygotes.

Submissions (7):

PreventionGenetics, part of Exact Sciences
Classification: Likely pathogenic for CRX-related condition. Last evaluated: 2026-02-01. Review status: criteria provided, single submitter. Criteria: ACMG Guidelines, 2015. Collection method: clinical testing. Allele origin: germline.
Comment: The CRX c.206G>A variant is predicted to result in the amino acid substitution p.Arg69His. This variant has been reported in the homozygous state in at least two individuals with retinal disease (Carrigan et al. 2016. PubMed ID: 27624628; Table S1, Weisschuh et al. 2020. PubMed ID: 32531858). This variant has also been reported in the compound heterozygous state with another missense variant in an individual with retinal disease (Table S4, Liu et al. 2020. PubMed ID: 33090715). This variant has been reported in the heterozygous state without a second CRX variant in an individual with retinal disease (Wolock et al. 2019. PubMed ID: 30926958); however, this variant is present in 0.0062% of alleles in individuals of African descent in gnomAD and has been reported in a carrier screen of the general population (Table S3, Hanany et al. 2020. PubMed ID: 31964843). Altogether this evidence indicates that this variant is likely pathogenic for autosomal recessive disease.

Labcorp Genetics (formerly Invitae), Labcorp
Classification: Pathogenic for Cone-rod dystrophy 2; Leber congenital amaurosis 7. Last evaluated: 2025-12-02. Review status: criteria provided, single submitter. Criteria: Invitae Variant Classification Sherloc (09022015). Collection method: clinical testing. Allele origin: germline.
Comment: This sequence change replaces arginine, which is basic and polar, with histidine, which is basic and polar, at codon 69 of the CRX protein (p.Arg69His). This variant is present in population databases (rs775073228, gnomAD 0.007%). This missense change has been observed in individuals with inherited retinal dystrophy (PMID: 27624628, 32531858, 33090715; internal data). ClinVar contains an entry for this variant (Variation ID: 872652). Invitae Evidence Modeling of protein sequence and biophysical properties (such as structural, functional, and spatial information, amino acid conservation, physicochemical variation, residue mobility, and thermodynamic stability) indicates that this missense variant is expected to disrupt CRX protein function with a positive predictive value of 95%. For these reasons, this variant has been classified as Pathogenic.

Revvity Omics, Revvity
Classification: Likely pathogenic. Last evaluated: 2025-06-04. Review status: criteria provided, single submitter. Criteria: ACMG Guidelines, 2015. Collection method: clinical testing. Allele origin: germline.

Blueprint Genetics
Classification: Pathogenic for CRX-related disorders. Last evaluated: 2024-10-07. Review status: criteria provided, single submitter. Criteria: ACMG Guidelines, 2015. Collection method: clinical testing. Allele origin: germline. Affected: yes. Observed: 5 variant alleles.

Institute of Human Genetics, Univ. Regensburg, Univ. Regensburg
Classification: Likely pathogenic for Retinal dystrophy. Last evaluated: 2023-01-01. Review status: criteria provided, single submitter. Criteria: ACMG Guidelines, 2015. Collection method: clinical testing. Allele origin: germline. Affected: yes.

CeGaT Center for Human Genetics Tuebingen
Classification: Pathogenic. Last evaluated: 2019-04-01. Review status: criteria provided, single submitter. Criteria: CeGaT Center For Human Genetics Tuebingen Variant Classification Criteria Version 2. Collection method: clinical testing. Allele origin: germline. Affected: yes. Observed: 3 variant alleles.

Juno Genomics, Hangzhou Juno Genomics, Inc
Classification: Likely pathogenic for Cone-rod dystrophy 2; Leber congenital amaurosis 7. Review status: criteria provided, single submitter. Criteria: ACMG Guidelines, 2015. Collection method: clinical testing. Allele origin: germline.
Comment: Absent from controls (or at extremely low frequency if recessive) in Genome Aggregation Database.;Multiple lines of computational evidence support a deleterious effect on the gene or gene product.;For recessive disorders, detected in trans with a pathogenic variant.;The prevalence of the variant in affected individuals is significantly increased compared to the prevalence in controls.

Literature cited by the submitters: PubMed 27624628 (cited by Labcorp Genetics (formerly Invitae), Labcorp and Institute of Human Genetics, Univ. Regensburg, Univ. Regensburg); PubMed 32531858 (cited by Labcorp Genetics (formerly Invitae), Labcorp and Institute of Human Genetics, Univ. Regensburg, Univ. Regensburg); PubMed 33090715 (cited by Labcorp Genetics (formerly Invitae), Labcorp and Institute of Human Genetics, Univ. Regensburg, Univ. Regensburg); PubMed 30926958 (cited by Institute of Human Genetics, Univ. Regensburg, Univ. Regensburg); PubMed 31964843 (cited by Institute of Human Genetics, Univ. Regensburg, Univ. Regensburg).

NM_000554.6(CRX):c.206G>A (p.Arg69His)

Gene: CRX (cone-rod homeobox; plus strand). Cytogenetic location: 19q13.33.
Variant type: single nucleotide variant.
Coding change: c.206G>A on transcript NM_000554.6 (MANE Select); coding-DNA position 206, G replaced by A.
Protein change: p.Arg69His; replaces arginine 69 with histidine.
Molecular consequence: missense variant.
Genome position (GRCh38, 1-based): chr19:47,836,348, G>A. VCF-style: chr19-47836348-G-A. GRCh37 (hg19) VCF-style: chr19-48339605-G-A.
Other names: c.206G>A (NM_000554.5); short protein forms R69H.
Identifiers: ClinVar variation 872652 (VCV000872652.49), dbSNP rs775073228, ClinGen allele CA9544419.